The following is an entry in ClinVar:

ClinVar aggregate classification (germline): Uncertain significance. Review status: reviewed by expert panel (3 of 4 stars). 10 submissions from 10 submitters: Uncertain significance (1). 9 of the submissions do not count toward it. Last evaluated 2024-12-18.

Conditions:
MYO7A-related disorder. Also called: MYO7A-related disorders.
Autosomal recessive nonsyndromic hearing loss 2. Also called: DEAFNESS, AUTOSOMAL RECESSIVE 2; NEUROSENSORY NONSYNDROMIC RECESSIVE DEAFNESS 2. Identifiers: Orphanet 90636, MedGen C1838701, MONDO:0010807, OMIM 600060.
Usher syndrome type 1 (USH1). Also called: RETINITIS PIGMENTOSA AND CONGENITAL DEAFNESS. Identifiers: Orphanet 231169, Orphanet 886, MedGen C1568247, MONDO:0010168, OMIM 276900.
Usher syndrome. Also called: Usher Syndromes; Usher's syndrome. Identifiers: Orphanet 886, MedGen CN469326, MeSH D052245, MONDO:0019501. Disease mechanism: loss of function.
Autosomal dominant nonsyndromic hearing loss 11. Identifiers: Orphanet 90635, MedGen C1832475, MONDO:0011032, OMIM 601317.

Allele frequency attached by ClinVar (database versions not stated): ESP Exome Variant Server 0.00008; ExAC 0.00009; gnomAD 0.00023 and 0.00026; TOPMed 0.00023.
gnomAD v4.1: 58 of 1,613,662 alleles (0.0036%); highest among the groups gnomAD compares: African/African-American, 0.059%; no homozygotes.

Submissions (10):

ClinGen Hearing Loss Variant Curation Expert Panel
Classification: Uncertain significance for Usher syndrome. Last evaluated: 2024-12-18. Review status: reviewed by expert panel. Criteria: Clingen Hl Acmg Specifications Cdh23 Coch Gjb2 Kcnq4 Myo6 Myo7a Slc26a4 Tecta Ush2a V2. Collection method: curation. Allele origin: germline. Inheritance: Autosomal recessive inheritance.
Comment: The c.3527G>A variant in MYO7A is a missense variant predicted to cause substitution of serine by asparagine at amino acid 1176. The highest population minor allele frequency in gnomAD v4.1 is 0.0005863 (44/75046 alleles) in the African/African-American population (PM2_Supporting and BS1_Supporting are not met). The computational predictor REVEL gives a score of 0.638, which is neither above nor below the thresholds predicting a damaging or benign impact on MYO7A function (PP3 not met). The variant has been observed in at least 3 individuals with Usher syndrome type 1. However, in one proband the c.3527G>A variant in the homozygous state was observed with another homozygous pathogenic/likely pathogenic variant in MYO7A (BP2 met; PMID: 26969326). The remaining probands did not have a second pathogenic/likely pathogenic variant in MYO7A identified (PM3 and PP4 not met; PMID: 27344577, 27460420, 31479088). While this variant has also been identified in individuals with hearing loss, they either had no other pathogenic/likely pathogenic variant or an alternate molecular basis for disease was identified (PMID:33297549, LabCorp Genetics (formerly Invitae) internal data ClinVar SCV001418817.4, GeneDx internal data ClinVar SCV000714448.1). In summary, this variant has been classified as a variant of uncertain significance for autosomal recessive Usher syndrome based on the ACMG/AMP criteria applied, as specified by the ClinGen Hearing Loss VCEP: BP2 (ClinGen Hearing Loss VCEP specifications version 2; 12/18/2024).

PreventionGenetics, part of Exact Sciences
Classification: Uncertain significance for MYO7A-related condition. Last evaluated: 2026-04-03. Review status: criteria provided, single submitter. Criteria: ACMG Guidelines, 2015. Collection method: clinical testing. Allele origin: germline. Not counted in ClinVar's aggregate classification.
Comment: The MYO7A c.3527G>A variant is predicted to result in the amino acid substitution p.Ser1176Asn. This variant was reported in homozygous state in individual with MYO7A-related disorder, however both alleles also carried pathogenic MYO7A variant (Table S3, Sloan-Heggen et al. 2016. PubMed ID: 26969326). This variant was also observed together with another MYO7A variant in several individuals with hearing loss, however the second variant was in all instances variant of uncertain significance (Bonnet et al. 2016. PubMed ID: 27460420; Khateb et al. 2020. PubMed ID: 31479088; García-García et al. 2020. PubMed ID: 33297549, Yan et al. 2016. PubMed ID: 27344577). This variant is reported in 0.066% of alleles in individuals of African descent in gnomAD. This variant is interpreted as uncertain significance by the ClinGen Hearing Loss Variant Curation Expert Panel in ClinVar (ClinVar ID: 196099). At this time, the clinical significance of this variant is uncertain due to the absence of conclusive functional and genetic evidence.

Labcorp Genetics (formerly Invitae), Labcorp
Classification: Benign. Last evaluated: 2026-01-25. Review status: criteria provided, single submitter. Criteria: Invitae Variant Classification Sherloc (09022015). Collection method: clinical testing. Allele origin: germline. Not counted in ClinVar's aggregate classification.

Women's Health and Genetics/Laboratory Corporation of America, LabCorp
Classification: Uncertain significance. Last evaluated: 2024-05-22. Review status: criteria provided, single submitter. Criteria: LabCorp Variant Classification Summary - May 2015. Collection method: clinical testing. Allele origin: germline. Not counted in ClinVar's aggregate classification.
Comment: Variant summary: MYO7A c.3527G>A (p.Ser1176Asn) results in a conservative amino acid change located in the MyTH4 domain (IPR000857) of the encoded protein sequence. Three of five in-silico tools predict a damaging effect of the variant on protein function. The variant allele was found at a frequency of 7.6e-05 in 248872 control chromosomes (gnomAD). c.3527G>A has been reported in the literature in heterozygous or presumed compound heterozygous state individuals affected with MYO7A-Related Disorders (example: Bonnet_2016, Garcia-Garcia_2020, Yan_2016, Sloan-Heggen_2016). In at-least one of these individuals second pathogenic variant (MYO7A c.6487G>A, p.Gly2163Ser) was reported in homozygous state, providing supporting evidence for a benign role (Sloan-Heggen_2016). The following publications have been ascertained in the context of this evaluation (PMID: 27460420, 33297549, 26969326, 27344577). ClinVar contains an entry for this variant (Variation ID: 196099). Based on the evidence outlined above, the variant was classified as uncertain significance.

Blueprint Genetics
Classification: Uncertain significance. Last evaluated: 2024-01-30. Review status: criteria provided, single submitter. Criteria: ACMG Guidelines, 2015. Collection method: clinical testing. Allele origin: germline. Not counted in ClinVar's aggregate classification.

Mendelics
Classification: Uncertain significance for Usher syndrome type 1. Last evaluated: 2023-04-21. Review status: criteria provided, single submitter. Criteria: Mendelics Assertion Criteria 2017. Collection method: clinical testing. Allele origin: unknown. Not counted in ClinVar's aggregate classification.

Fulgent Genetics
Classification: Uncertain significance for Usher syndrome type 1; Autosomal recessive nonsyndromic hearing loss 2; Autosomal dominant nonsyndromic hearing loss 11. Last evaluated: 2022-03-18. Review status: criteria provided, single submitter. Criteria: ACMG Guidelines, 2015. Collection method: clinical testing. Allele origin: unknown. Not counted in ClinVar's aggregate classification.

GeneDx
Classification: Likely benign. Last evaluated: 2020-08-14. Review status: criteria provided, single submitter. Criteria: GeneDx Variant Classification Process June 2021. Collection method: clinical testing. Allele origin: germline. Affected: yes. Not counted in ClinVar's aggregate classification.
Comment: This variant is associated with the following publications: (PMID: 26969326, 31479088, 27460420, 27344577, 33297549)

Eurofins Ntd Llc (ga)
Classification: Uncertain significance. Last evaluated: 2014-07-29. Review status: criteria provided, single submitter. Criteria: EGL Classification Definitions 2015. Collection method: clinical testing. Allele origin: germline. Observed: 1 variant allele, 1 heterozygote. Not counted in ClinVar's aggregate classification.

Counsyl
Classification: Uncertain significance for Usher syndrome type 1; Autosomal recessive nonsyndromic hearing loss 2. Last evaluated: 2017-01-20. Review status: no assertion criteria provided. Collection method: clinical testing. Allele origin: unknown. Not counted in ClinVar's aggregate classification.

Literature cited by the submitters: PubMed 26969326 (cited by Women's Health and Genetics/Laboratory Corporation of America, LabCorp and Counsyl); PubMed 27460420 (cited by Women's Health and Genetics/Laboratory Corporation of America, LabCorp and Counsyl); PubMed 33297549 (cited by Women's Health and Genetics/Laboratory Corporation of America, LabCorp); PubMed 27344577 (cited by Women's Health and Genetics/Laboratory Corporation of America, LabCorp and Counsyl).

NM_000260.4(MYO7A):c.3527G>A (p.Ser1176Asn)

Gene: MYO7A (myosin VIIA; plus strand). Cytogenetic location: 11q13.5.
Variant type: single nucleotide variant.
Coding change: c.3527G>A on transcript NM_000260.4 (MANE Select); coding-DNA position 3527, G replaced by A.
Protein change: p.Ser1176Asn; replaces serine 1176 with asparagine.
Molecular consequence: missense variant.
Genome position (GRCh38, 1-based): chr11:77,189,367, G>A. VCF-style: chr11-77189367-G-A. GRCh37 (hg19) VCF-style: chr11-76900412-G-A.
Other names: c.3527G>A, p.Ser1176Asn (NM_001127180.2); c.3494G>A, p.Ser1165Asn (NM_001369365.1); short protein forms S1176N, S1165N.
Identifiers: ClinVar variation 196099 (VCV000196099.26), dbSNP rs373147966, ClinGen allele CA242907.
Genomic context (GRCh38, chr11:77,189,367, plus strand): 5'-GGGTGATTCCCCCTCCCTTGCCCTGCTGCCTGCCCAGGGACGAGATCTACTGCCAGATCA[G>A]CAAGCAGCTGACCCACAACCCCTCCAAGAGCAGCTATGCCCGGGGCTGGATTCTCGTGTC-3'
Protein context (NP_000251.3, residues 1166-1186): ALRDEIYCQI[Ser1176Asn]KQLTHNPSKS